The following is an entry in ClinVar:

ClinVar aggregate classification (germline): Uncertain significance (1 of 4 stars; one submission).

Conditions:
Congenital sideroblastic anemia-B-cell immunodeficiency-periodic fever-developmental delay syndrome. Also called: Sideroblastic anemia with B-cell immunodeficiency, periodic fevers, and developmental delay. Identifiers: Orphanet 369861, MedGen C4015172, MONDO:0014487, OMIM 616084.

Allele frequency attached by ClinVar (database versions not stated): ExAC 0.00001.
gnomAD v4.1: 7 of 1,613,906 alleles (0.00043%); highest among the groups gnomAD compares: Admixed American, 0.0033%; no homozygotes.

Submission:

Labcorp Genetics (formerly Invitae), Labcorp
Classification: Uncertain significance for Congenital sideroblastic anemia-B-cell immunodeficiency-periodic fever-developmental delay syndrome. Last evaluated: 2022-06-22. Review status: criteria provided, single submitter. Criteria: Invitae Variant Classification Sherloc (09022015). Collection method: clinical testing. Allele origin: germline.
Comment: Algorithms developed to predict the effect of missense changes on protein structure and function are either unavailable or do not agree on the potential impact of this missense change (SIFT: "Tolerated"; PolyPhen-2: "Possibly Damaging"; Align-GVGD: "Class C0"). In summary, the available evidence is currently insufficient to determine the role of this variant in disease. Therefore, it has been classified as a Variant of Uncertain Significance. This sequence change replaces glycine, which is neutral and non-polar, with arginine, which is basic and polar, at codon 405 of the TRNT1 protein (p.Gly405Arg). This variant is present in population databases (rs769675548, gnomAD 0.006%). This missense change has been observed in individual(s) with clinical features of sideroblastic anemia with B-cell immunodeficiency, periodic fevers, and developmental delay (PMID: 29610179, 34510712).

Literature cited by the submitters: PubMed 29610179; PubMed 34510712.

NM_182916.3(TRNT1):c.1213G>A (p.Gly405Arg)

Gene: TRNT1 (tRNA nucleotidyl transferase 1; plus strand). Cytogenetic location: 3p26.2.
Variant type: single nucleotide variant.
Coding change: c.1213G>A on transcript NM_182916.3 (MANE Select); coding-DNA position 1213, G replaced by A.
Protein change: p.Gly405Arg; replaces glycine 405 with arginine.
Molecular consequence: missense variant. On other transcripts: non-coding transcript variant (8).
Genome position (GRCh38, 1-based): chr3:3,148,062, G>A. VCF-style: chr3-3148062-G-A. GRCh37 (hg19) VCF-style: chr3-3189746-G-A.
Other names: c.1153G>A, p.Gly385Arg (NM_001302946.2); c.1213G>A, p.Gly405Arg (NM_001367321.1, NM_001367322.1, NM_001367323.1); short protein forms G385R, G405R.
Identifiers: ClinVar variation 2191971 (VCV002191971.4), dbSNP rs769675548, ClinGen allele CA2228912.